The following is an entry in ClinVar:

ClinVar aggregate classification (germline): Uncertain significance (1 of 4 stars; one submission).

gnomAD v4.1: 2 of 1,612,548 alleles (0.00012%); highest among the groups gnomAD compares: Non-Finnish European, 0.00017%; no homozygotes.

Submission:

Labcorp Genetics (formerly Invitae), Labcorp
Classification: Uncertain significance. Last evaluated: 2025-10-06. Review status: criteria provided, single submitter. Criteria: Invitae Variant Classification Sherloc (09022015). Collection method: clinical testing. Allele origin: germline.
Comment: This sequence change replaces methionine, which is neutral and non-polar, with threonine, which is neutral and polar, at codon 677 of the MPDZ protein (p.Met677Thr). This variant is present in population databases (no rsID available, gnomAD 0.007%). This variant has not been reported in the literature in individuals affected with MPDZ-related conditions. An algorithm developed to predict the effect of missense changes on protein structure and function (PolyPhen-2) suggests that this variant is likely to be tolerated. In summary, the available evidence is currently insufficient to determine the role of this variant in disease. Therefore, it has been classified as a Variant of Uncertain Significance.

NM_001378778.1(MPDZ):c.2030T>C (p.Met677Thr)

Gene: MPDZ (multiple PDZ domain crumbs cell polarity complex component; minus strand). Cytogenetic location: 9p23.
Variant type: single nucleotide variant.
Coding change: c.2030T>C on transcript NM_001378778.1 (MANE Select); coding-DNA position 2030, T replaced by C.
Protein change: p.Met677Thr; replaces methionine 677 with threonine.
Molecular consequence: missense variant.
Genome position (GRCh38, 1-based): chr9:13,190,238, A>G on the plus strand (T>C on the coding strand, the complement: MPDZ is on the minus strand). VCF-style: chr9-13190238-A-G. GRCh37 (hg19) VCF-style: chr9-13190237-A-G.
Other names: c.2030T>C, p.Met677Thr (NM_001261406.2, NM_001261407.2, NM_001330637.2 and 14 more transcripts); short protein forms M677T.
Identifiers: ClinVar variation 4692439 (VCV004692439.1).
Genomic context (GRCh38, chr9:13,190,238, plus strand): 5'-CCAGCCTCCCACATGGCCAAAGGTGCTTGAACCTCTTCTGTACTCTGACCCGCATCAGTC[A>G]TCGCCAGCACTGGATCCTCTGTCTCTGATGACCCGATGAACTCACCTAGATCTACGTGAG-3'
Protein context (NP_001365707.1, residues 667-687): SSETEDPVLA[Met677Thr]TDAGQSTEEV